The following is an entry in ClinVar:

ClinVar aggregate classification (germline): Uncertain significance (1 of 4 stars; one submission).

Conditions:
X-linked myopathy with excessive autophagy (AVM). Also called: Vacuolar myopathy; Autophagic vacuolar myopathy. Identifiers: Orphanet 25980, MedGen C1839615, MONDO:0010684, OMIM 310440.

Submission:

Labcorp Genetics (formerly Invitae), Labcorp
Classification: Uncertain significance for X-linked myopathy with excessive autophagy. Last evaluated: 2020-10-28. Review status: criteria provided, single submitter. Criteria: Invitae Variant Classification Sherloc (09022015). Collection method: clinical testing. Allele origin: germline.
Comment: In summary, the available evidence is currently insufficient to determine the role of this variant in disease. Therefore, it has been classified as a Variant of Uncertain Significance. Algorithms developed to predict the effect of missense changes on protein structure and function are either unavailable or do not agree on the potential impact of this missense change (SIFT: "Not Available"; PolyPhen-2: "Benign"; Align-GVGD: "Not Available"). This variant has not been reported in the literature in individuals with VMA21-related conditions. This variant is not present in population databases (ExAC no frequency). This sequence change replaces methionine with valine at codon 59 of the VMA21 protein (p.Met59Val). The methionine residue is highly conserved and there is a small physicochemical difference between methionine and valine.

NM_001017980.4(VMA21):c.175A>G (p.Met59Val)

Gene: VMA21 (vacuolar ATPase assembly factor VMA21; plus strand). Cytogenetic location: Xq28.
Variant type: single nucleotide variant.
Coding change: c.175A>G on transcript NM_001017980.4 (MANE Select); coding-DNA position 175, A replaced by G.
Protein change: p.Met59Val; replaces methionine 59 with valine.
Molecular consequence: missense variant.
Genome position (GRCh38, 1-based): chrX:151,404,927, A>G. VCF-style: chrX-151404927-A-G. GRCh37 (hg19) VCF-style: chrX-150573399-A-G.
Other names: c.340A>G, p.Met114Val (NM_001363810.1); short protein forms M114V, M59V.
Identifiers: ClinVar variation 1057126 (VCV001057126.8), dbSNP rs2124126715, ClinGen allele CA415271146.
Genomic context (GRCh38, chrX:151,404,927, plus strand): 5'-TTTGGTAAATTTTGCAATAAAATGGAAACTGTTTTTTTTCTCTTGATAGGCGCCCTTGGG[A>G]TGTCCAATAGGGACAGCTATTTTTACGCTGCTATTGTTGCAGTGGTCGCCGTCCATGTGG-3'
Protein context (NP_001017980.1, residues 49-69): KSYIFEGALG[Met59Val]SNRDSYFYAA